The following is an entry in ClinVar:

NM_201384.3(PLEC):c.8494C>T (p.Arg2832Cys)

Gene: PLEC (plectin; minus strand). Cytogenetic location: 8q24.3.
Variant type: single nucleotide variant.
Coding change: c.8494C>T on transcript NM_201384.3 (MANE Select); coding-DNA position 8494, C replaced by T.
Protein change: p.Arg2832Cys; replaces arginine 2832 with cysteine.
Molecular consequence: missense variant.
Genome position (GRCh38, 1-based): chr8:143,921,327, G>A on the plus strand (C>T on the coding strand, the complement: PLEC is on the minus strand). VCF-style: chr8-143921327-G-A. GRCh37 (hg19) VCF-style: chr8-144995495-G-A.
Other names: c.8575C>T, p.Arg2859Cys (NM_000445.5); c.8452C>T, p.Arg2818Cys (NM_201378.4); c.8428C>T, p.Arg2810Cys (NM_201379.3); c.8905C>T, p.Arg2969Cys (NM_201380.4); c.8398C>T, p.Arg2800Cys (NM_201381.3); c.8494C>T, p.Arg2832Cys (NM_201382.4); c.8506C>T, p.Arg2836Cys (NM_201383.3); short protein forms R2800C, R2810C, R2818C, R2832C, R2836C, R2859C, R2969C.
Identifiers: ClinVar variation 499818 (VCV000499818.12), dbSNP rs782165745, ClinGen allele CA4925289.

ClinVar aggregate classification (germline): Uncertain significance. Review status: criteria provided, multiple submitters, no conflicts (2 of 4 stars). 3 submissions from 3 submitters: Uncertain significance (3). Last evaluated 2026-01-26.

Conditions:
Epidermolysis bullosa simplex 5B, with muscular dystrophy (EBS5B). Also called: EPIDERMOLYSIS BULLOSA SIMPLEX AND LIMB-GIRDLE MUSCULAR DYSTROPHY; Epidermolysis bullosa simplex with muscular dystrophy. Identifiers: Orphanet 257, MedGen C2931072, MONDO:0009181, OMIM 226670.
Epidermolysis bullosa simplex, Ogna type (EBS5A). Also called: Pidermolysis bullosa simplex 5A, Ogna type; EPIDERMOLYSIS BULLOSA SIMPLEX 5A, OGNA TYPE. Identifiers: Orphanet 79401, MedGen C0432317, MONDO:0007555, OMIM 131950.
Autosomal recessive limb-girdle muscular dystrophy type 2Q (LGMDR17). Also called: MUSCULAR DYSTROPHY, LIMB-GIRDLE, AUTOSOMAL RECESSIVE 17. Identifiers: Orphanet 254361, MedGen C3150989, MONDO:0013390, OMIM 613723.
Epidermolysis bullosa simplex 5C, with pyloric atresia (EBS5C). Also called: Epidermolysis bullosa simplex with pyloric atresia; PLEC1-Related Epidermolysis Bullosa with Pyloric Atresia; PLEC-Related Epidermolysis Bullosa with Pyloric Atresia. Identifiers: Orphanet 158684, MedGen C2677349, MONDO:0012807, OMIM 612138.
Epidermolysis bullosa simplex with nail dystrophy (EBS5D). Identifiers: MedGen C4225309, MONDO:0014661, OMIM 616487.

Allele frequency attached by ClinVar (database versions not stated): gnomAD 0.00001; gnomAD exomes 0.00001 and 0.00002; TOPMed 0.00001; ExAC 0.00002.
gnomAD v4.1: 12 of 1,613,746 alleles (0.00074%); highest among the groups gnomAD compares: African/African-American, 0.004%; no homozygotes.

Submissions (3):

Labcorp Genetics (formerly Invitae), Labcorp
Classification: Uncertain significance for Autosomal recessive limb-girdle muscular dystrophy type 2Q; Epidermolysis bullosa simplex, Ogna type; Epidermolysis bullosa simplex with nail dystrophy; Epidermolysis bullosa simplex 5C, with pyloric atresia; Epidermolysis bullosa simplex 5B, with muscular dystrophy. Last evaluated: 2026-01-26. Review status: criteria provided, single submitter. Criteria: Invitae Variant Classification Sherloc (09022015). Collection method: clinical testing. Allele origin: germline.
Comment: This sequence change replaces arginine, which is basic and polar, with cysteine, which is neutral and slightly polar, at codon 2859 of the PLEC protein (p.Arg2859Cys). This variant is present in population databases (rs782165745, gnomAD 0.006%). This variant has not been reported in the literature in individuals affected with PLEC-related conditions. ClinVar contains an entry for this variant (Variation ID: 499818). An algorithm developed to predict the effect of missense changes on protein structure and function (PolyPhen-2) suggests that this variant is likely to be tolerated. In summary, the available evidence is currently insufficient to determine the role of this variant in disease. Therefore, it has been classified as a Variant of Uncertain Significance.

GeneDx
Classification: Uncertain significance. Last evaluated: 2019-11-14. Review status: criteria provided, single submitter. Criteria: GeneDx Variant Classification Process June 2021. Collection method: clinical testing. Allele origin: germline. Affected: yes.
Comment: In silico analysis, which includes protein predictors and evolutionary conservation, supports a deleterious effect; Has not been previously published as pathogenic or benign to our knowledge

Eurofins Ntd Llc (ga)
Classification: Uncertain significance. Last evaluated: 2017-01-23. Review status: criteria provided, single submitter. Criteria: EGL Classification Definitions 2015. Collection method: clinical testing. Allele origin: germline. Observed: 1 variant allele, 1 heterozygote.